The following is an entry in ClinVar:

NM_004415.4(DSP):c.104G>C (p.Gly35Ala)

Genes: DSP (desmoplakin; plus strand), DSP-AS1 (DSP antisense RNA 1; minus strand). Cytogenetic location: 6p24.3.
Variant type: single nucleotide variant.
Coding change: c.104G>C on transcript NM_004415.4 (MANE Select); coding-DNA position 104, G replaced by C.
Protein change: p.Gly35Ala; replaces glycine 35 with alanine.
Molecular consequence: missense variant.
Genome position (GRCh38, 1-based): chr6:7,542,019, G>C. VCF-style: chr6-7542019-G-C. GRCh37 (hg19) VCF-style: chr6-7542252-G-C.
Other names: c.104G>C, p.Gly35Ala (NM_001008844.3, NM_001319034.2); c.104G>C (NM_004415.3); short protein forms G35A.
Identifiers: ClinVar variation 922929 (VCV000922929.16), dbSNP rs202194206, ClinGen allele CA026887.

ClinVar aggregate classification (germline): Conflicting classifications of pathogenicity. Review status: criteria provided, conflicting classifications (1 of 4 stars). 7 submissions from 7 submitters: Uncertain significance (5); Likely benign (2). Last evaluated 2026-03-23.

Conditions:
Arrhythmogenic cardiomyopathy with wooly hair and keratoderma. Also called: PALMOPLANTAR KERATODERMA WITH LEFT VENTRICULAR CARDIOMYOPATHY AND WOOLLY HAIR; Arrhythmogenic cardiomyopathy with woolly hair and keratoderma; Carvajal syndrome; Dilated cardiomyopathy with woolly hair and keratoderma. Identifiers: Orphanet 65282, MedGen C1854063, MONDO:0011581, OMIM 605676.
Cardiomyopathy, dilated, with wooly hair, keratoderma, and tooth agenesis. Also called: Erythrokeratodermia-cardiomyopathy syndrome; Cardiomyopathy, dilated, with woolly hair, keratoderma, and tooth agenesis. Identifiers: Orphanet 476096, Orphanet 65282, MedGen C4014393, MONDO:0014355, OMIM 615821.
Arrhythmogenic right ventricular dysplasia 8 (ARVD8). Also called: ARRHYTHMOGENIC RIGHT VENTRICULAR DYSPLASIA, FAMILIAL, 8; ARRHYTHMOGENIC RIGHT VENTRICULAR CARDIOMYOPATHY 8; Arrhythmogenic Right Ventricular Dysplasia/Cardiomyopathy 8. Identifiers: MedGen C1843896, MONDO:0011831, OMIM 607450.
Lethal acantholytic epidermolysis bullosa (EBLA). Identifiers: Orphanet 158687, MedGen C1864826, MONDO:0012323, OMIM 609638.
Keratosis palmoplantaris striata 2. Also called: KERATODERMA, PALMOPLANTAR, STRIATE FORM II; STRIATE PALMOPLANTAR KERATODERMA II; Keratosis palmoplantaris striata II. Identifiers: MedGen C1852127, MONDO:0013034, OMIM 612908.
Woolly hair-skin fragility syndrome (WHSF). Identifiers: Orphanet 293165, MedGen C1843292, MONDO:0957307, OMIM 620415.
Cardiomyopathy (CMYO). Also called: Cardiomyopathies. Identifiers: Orphanet 167848, MedGen C0878544, MONDO:0004994, HP:0001638. Inheritance: Various modes of inheritance.
Cardiovascular phenotype. Identifiers: MedGen CN230736.

Allele frequency attached by ClinVar (database versions not stated): gnomAD exomes below 0.00001 and 0.00002; ExAC 0.00003; 1000 Genomes Project 30x 0.00031; gnomAD 0.00001; TOPMed 0.00001; 1000 Genomes Project 0.00020.
gnomAD v4.1: 4 of 1,585,600 alleles (0.00025%); highest among the groups gnomAD compares: East Asian, 0.0069%; no homozygotes.

Submissions (7):

Ambry Genetics
Classification: Uncertain significance for Cardiovascular phenotype. Last evaluated: 2026-03-23. Review status: criteria provided, single submitter. Criteria: Ambry Variant Classification Scheme 2023. Collection method: clinical testing. Allele origin: germline.
Comment: The p.G35A variant (also known as c.104G>C), located in coding exon 1 of the DSP gene, results from a G to C substitution at nucleotide position 104. The glycine at codon 35 is replaced by alanine, an amino acid with similar properties. This amino acid position is conserved. In addition, this alteration is predicted to be tolerated by in silico analysis. Based on the available evidence, the clinical significance of this variant remains unclear.

Molecular Diagnostic Laboratory for Inherited Cardiovascular Disease, Montreal Heart Institute
Classification: Likely benign. Last evaluated: 2025-02-17. Review status: criteria provided, single submitter. Criteria: ACMG Guidelines, 2015. Collection method: clinical testing. Allele origin: germline. Affected: no.
Comment: PM2, BP4

All of Us Research Program, National Institutes of Health
Classification: Uncertain significance for Arrhythmogenic cardiomyopathy with wooly hair and keratoderma. Last evaluated: 2024-09-23. Review status: criteria provided, single submitter. Criteria: ACMG Guidelines, 2015. Collection method: clinical testing. Allele origin: germline. Inheritance: Autosomal dominant inheritance. Observed: 2 variant alleles, 2 heterozygotes.
Comment: This missense variant replaces glycine with alanine at codon 35 of the DSP protein. Computational prediction suggests that this variant may not impact protein structure and function (internally defined REVEL score threshold <= 0.5, PMID: 27666373). To our knowledge, functional studies have not been reported for this variant. This variant has not been reported in individuals affected with cardiovascular disorders in the literature. This variant has been identified in 3/191162 chromosomes in the general population by the Genome Aggregation Database (gnomAD). The available evidence is insufficient to determine the role of this variant in disease conclusively. Therefore, this variant is classified as a Variant of Uncertain Significance.

This study involves interpretation of variants in research participants for the purpose of population health screening. Participant phenotype was not available at the time of variant classification. Additional details can be found in publication PMID: 35346344, PMCID: PMC8962531

Labcorp Genetics (formerly Invitae), Labcorp
Classification: Likely benign for Arrhythmogenic cardiomyopathy with wooly hair and keratoderma; Arrhythmogenic right ventricular dysplasia 8. Last evaluated: 2024-07-22. Review status: criteria provided, single submitter. Criteria: Invitae Variant Classification Sherloc (09022015). Collection method: clinical testing. Allele origin: germline.

Color Diagnostics, LLC DBA Color Health
Classification: Uncertain significance for Cardiomyopathy. Last evaluated: 2024-03-06. Review status: criteria provided, single submitter. Criteria: ACMG Guidelines, 2015. Collection method: clinical testing. Allele origin: germline.
Comment: This missense variant replaces glycine with alanine at codon 35 of the DSP protein. Computational prediction suggests that this variant may not impact protein structure and function (internally defined REVEL score threshold <= 0.5, PMID: 27666373). To our knowledge, functional studies have not been reported for this variant. This variant has not been reported in individuals affected with cardiovascular disorders in the literature. This variant has been identified in 3/191162 chromosomes in the general population by the Genome Aggregation Database (gnomAD). The available evidence is insufficient to determine the role of this variant in disease conclusively. Therefore, this variant is classified as a Variant of Uncertain Significance.

Clinical Genomics Laboratory, Stanford Medicine
Classification: Uncertain significance for Arrhythmogenic right ventricular dysplasia 8; Arrhythmogenic cardiomyopathy with wooly hair and keratoderma; Cardiomyopathy, dilated, with wooly hair, keratoderma, and tooth agenesis; Lethal acantholytic epidermolysis bullosa; Keratosis palmoplantaris striata 2. Last evaluated: 2021-09-27. Review status: criteria provided, single submitter. Criteria: ACMG Guidelines, 2015. Collection method: clinical testing. Allele origin: germline. Observed: 1 variant allele, 1 heterozygote.
Comment: The p.Gly35Ala variant in the DSP gene has not been previously reported in association with disease. This variant has been identified in 3/14,644 East Asian chromosomes by the Genome Aggregation Database. Computational tools predict that this variant does not impact protein function; however, the accuracy of in silico algorithms is limited. These data were assessed using the ACMG/AMP variant interpretation guidelines. In summary, the significance of the p.Gly35Ala variant is uncertain. Additional information is needed to resolve the significance of this variant. [ACMG evidence codes used: PM2]

Fulgent Genetics
Classification: Uncertain significance for Arrhythmogenic cardiomyopathy with wooly hair and keratoderma; Arrhythmogenic right ventricular dysplasia 8; Lethal acantholytic epidermolysis bullosa; Keratosis palmoplantaris striata 2; Cardiomyopathy, dilated, with wooly hair, keratoderma, and tooth agenesis. Last evaluated: 2021-08-13. Review status: criteria provided, single submitter. Criteria: ACMG Guidelines, 2015. Collection method: clinical testing. Allele origin: unknown.